The following is an entry in ClinVar:

ClinVar aggregate classification (germline): Likely pathogenic (1 of 4 stars; one submission).

Conditions:
Episodic ataxia type 2 (EA2). Also called: ATAXIA, EPISODIC, WITH NYSTAGMUS; ATAXIA, FAMILIAL PAROXYSMAL; CEREBELLAR ATAXIA, PAROXYSMAL, ACETAZOLAMIDE-RESPONSIVE; CEREBELLOPATHY, HEREDITARY PAROXYSMAL; ACETAZOLAMIDE-RESPONSIVE HEREDITARY PAROXYSMAL CEREBELLAR ATAXIA; EPISODIC ATAXIA, NYSTAGMUS-ASSOCIATED. Identifiers: Orphanet 97, MedGen C1720416, MONDO:0007163, OMIM 108500.
Developmental and epileptic encephalopathy, 42 (DEE42A). Also called: EPILEPTIC ENCEPHALOPATHY, EARLY INFANTILE, 42A; Epileptic encephalopathy, early infantile, 42; DEVELOPMENTAL AND EPILEPTIC ENCEPHALOPATHY 42A. Identifiers: MedGen C4310716, MONDO:0014917, OMIM 617106.

Submission:

Labcorp Genetics (formerly Invitae), Labcorp
Classification: Likely pathogenic for Developmental and epileptic encephalopathy, 42; Episodic ataxia type 2. Last evaluated: 2022-06-02. Review status: criteria provided, single submitter. Criteria: Invitae Variant Classification Sherloc (09022015). Collection method: clinical testing. Allele origin: germline.
Comment: This sequence change affects an acceptor splice site in intron 22 of the CACNA1A gene. It is expected to disrupt RNA splicing. Variants that disrupt the donor or acceptor splice site typically lead to a loss of protein function (PMID: 16199547), and loss-of-function variants in CACNA1A are known to be pathogenic (PMID: 10371528, 19486177, 25735478, 27250579). This variant is not present in population databases (gnomAD no frequency). This variant has not been reported in the literature in individuals affected with CACNA1A-related conditions. Algorithms developed to predict the effect of sequence changes on RNA splicing suggest that this variant may disrupt the consensus splice site. In summary, the currently available evidence indicates that the variant is pathogenic, but additional data are needed to prove that conclusively. Therefore, this variant has been classified as Likely Pathogenic.

Literature cited by the submitters: PubMed 16199547; PubMed 10371528; PubMed 19486177; PubMed 25735478; PubMed 27250579.

NM_001127222.2(CACNA1A):c.3823-1G>C

Gene: CACNA1A (calcium voltage-gated channel subunit alpha1 A; minus strand). Cytogenetic location: 19p13.13.
Variant type: single nucleotide variant.
Coding change: c.3823-1G>C on transcript NM_001127222.2 (MANE Select); the canonical splice acceptor site of the intron before coding-DNA position 3823, G replaced by C.
Molecular consequence: splice acceptor variant.
Genome position (GRCh38, 1-based): chr19:13,277,129, C>G on the plus strand (G>C on the coding strand, the complement: CACNA1A is on the minus strand). VCF-style: chr19-13277129-C-G. GRCh37 (hg19) VCF-style: chr19-13387943-C-G.
Other names: c.3826-1G>C (NM_001127221.2, NM_001174080.2); c.3835-1G>C (NM_000068.4, NM_023035.3).
Identifiers: ClinVar variation 2002030 (VCV002002030.4), dbSNP rs2512816590, ClinGen allele CA404340513.